The following is an entry in ClinVar:

ClinVar aggregate classification (germline): Likely benign (1 of 4 stars; one submission).

Allele frequency attached by ClinVar (database versions not stated): gnomAD exomes 0.00003; gnomAD 0.00007 and 0.00009; TOPMed 0.00012.

Submission:

GeneDx
Classification: Likely benign. Last evaluated: 2016-02-12. Review status: criteria provided, single submitter. Criteria: GeneDx Variant Classification (06012015). Collection method: clinical testing. Allele origin: germline. Affected: yes.
Comment: This variant is considered likely benign or benign based on one or more of the following criteria: it is a conservative change, it occurs at a poorly conserved position in the protein, it is predicted to be benign by multiple in silico algorithms, and/or has population frequency not consistent with disease.

NM_001271.4(CHD2):c.-83dup

Gene: CHD2 (chromodomain helicase DNA binding protein 2; plus strand). Cytogenetic location: 15q26.1.
Variant type: Duplication.
Coding change: c.-83dup on transcript NM_001271.4 (MANE Select); 83 bases upstream of the start codon, one base duplicated (T; older notation c.-83dupT).
Molecular consequence: 5 prime UTR variant.
Genome position (GRCh38, 1-based): chr15:92,900,813, T duplicated. VCF-style (leftmost placement, unchanged base first): chr15-92900812-C-CT. GRCh37 (hg19) VCF-style: chr15-93444042-C-CT.
Other names: c.-83dup (NM_001042572.3).
Identifiers: ClinVar variation 420434 (VCV000420434.1), dbSNP rs1179011502, ClinGen allele CA16620035.
Genomic context (GRCh38, chr15:92,900,812, plus strand): 5'-TTTAATTATTTGGGATCTGATATTTTTCTACTAGTAGATAGGACTCTTGGTTTGGACATA[C>CT]TACATGGATCAGGTAAGTTCACGATCATTGGTGATAATTTTAAAGATTTATTTGTTTAAG-3'